The following is an entry in ClinVar:

ClinVar aggregate classification (germline): Conflicting classifications of pathogenicity. Review status: criteria provided, conflicting classifications (1 of 4 stars). 2 submissions from 2 submitters: Uncertain significance (1); Likely benign (1). Last evaluated 2025-05-04.

Conditions:
Cardiovascular phenotype. Identifiers: MedGen CN230736.
Hereditary cancer-predisposing syndrome. Also called: Hereditary neoplastic syndrome; Tumor predisposition; Hereditary Cancer Syndrome; Neoplastic Syndromes, Hereditary. Identifiers: Orphanet 140162, MedGen C0027672, MeSH D009386, MONDO:0015356.
Neurofibromatosis, type 1 (NF1). Also called: Peripheral type neurofibromatosis; Neurofibromatosis, type I; VON RECKLINGHAUSEN DISEASE; NEUROFIBROMATOSIS, TYPE I, SOMATIC. Identifiers: Orphanet 636, MedGen C0027831, MONDO:0018975, OMIM 162200. Disease mechanism: loss of function.

Allele frequency attached by ClinVar (database versions not stated): gnomAD exomes below 0.00001.
gnomAD v4.1: 1 of 1,613,426 alleles (0.000062%); no homozygotes.

Submissions (2):

Ambry Genetics
Classification: Uncertain significance for Cardiovascular phenotype; Hereditary cancer-predisposing syndrome. Last evaluated: 2025-05-04. Review status: criteria provided, single submitter. Criteria: Ambry Variant Classification Scheme 2023. Collection method: clinical testing. Allele origin: germline.
Comment: The c.1846-5T>C intronic variant results from a T to C substitution 5 nucleotides upstream from coding exon 17 in the NF1 gene. This nucleotide position is highly conserved in available vertebrate species. In silico splice site analysis predicts that this alteration will not have any significant effect on splicing. Based on the available evidence, the clinical significance of this variant remains unclear.

Labcorp Genetics (formerly Invitae), Labcorp
Classification: Likely benign for Neurofibromatosis, type 1. Last evaluated: 2023-08-30. Review status: criteria provided, single submitter. Criteria: Invitae Variant Classification Sherloc (09022015). Collection method: clinical testing. Allele origin: germline.

NM_001042492.3(NF1):c.1846-5T>C

Gene: NF1 (neurofibromin 1; plus strand). Cytogenetic location: 17q11.2.
Variant type: single nucleotide variant.
Coding change: c.1846-5T>C on transcript NM_001042492.3 (MANE Select); 5 bases into the intron before coding-DNA position 1846, T replaced by C.
Molecular consequence: intron variant.
Genome position (GRCh38, 1-based): chr17:31,225,090, T>C. VCF-style: chr17-31225090-T-C. GRCh37 (hg19) VCF-style: chr17-29552108-T-C.
Other names: c.1846-5T>C (NM_000267.4).
Identifiers: ClinVar variation 581018 (VCV000581018.6), dbSNP rs1567846600, ClinGen allele CA891844359.